The following is an entry in ClinVar:

ClinVar aggregate classification (germline): Likely benign. Review status: criteria provided, single submitter (1 of 4 stars). 2 submissions from 2 submitters: Likely benign (1). 1 of the submissions does not count toward it. Last evaluated 2023-10-01.

Conditions:
HUWE1-related disorder. Also called: HUWE1-related condition.

Allele frequency attached by ClinVar (database versions not stated): gnomAD exomes 0.00002; TOPMed 0.00005; gnomAD 0.00007; ExAC 0.00008; 1000 Genomes Project 30x 0.00042; 1000 Genomes Project 0.00053.
gnomAD v4.1: 40 of 1,210,542 alleles (0.0033%); highest among the groups gnomAD compares: East Asian, 0.047%; 1 homozygote.

Submissions (2):

CeGaT Center for Human Genetics Tuebingen
Classification: Likely benign. Last evaluated: 2023-10-01. Review status: criteria provided, single submitter. Criteria: CeGaT Center For Human Genetics Tuebingen Variant Classification Criteria Version 2. Collection method: clinical testing. Allele origin: germline. Affected: yes. Observed: 1 variant allele.
Comment: HUWE1: BS2

PreventionGenetics, part of Exact Sciences
Classification: Likely benign for HUWE1-related condition. Last evaluated: 2023-05-27. Review status: no assertion criteria provided. Collection method: clinical testing. Allele origin: germline. Not counted in ClinVar's aggregate classification.
Comment: This variant is classified as likely benign based on ACMG/AMP sequence variant interpretation guidelines (Richards et al. 2015 PMID: 25741868, with internal and published modifications).

NM_031407.7(HUWE1):c.9833A>G (p.Lys3278Arg)

Gene: HUWE1 (HECT, UBA and WWE domain containing E3 ubiquitin protein ligase 1; minus strand). Cytogenetic location: Xp11.22.
Variant type: single nucleotide variant.
Coding change: c.9833A>G on transcript NM_031407.7 (MANE Select); coding-DNA position 9833, A replaced by G.
Protein change: p.Lys3278Arg; replaces lysine 3278 with arginine.
Molecular consequence: missense variant.
Genome position (GRCh38, 1-based): chrX:53,549,161, T>C on the plus strand (A>G on the coding strand, the complement: HUWE1 is on the minus strand). VCF-style: chrX-53549161-T-C. GRCh37 (hg19) VCF-style: chrX-53576122-T-C.
Other names: c.9833A>G (NM_031407.6); short protein forms K3278R.
Identifiers: ClinVar variation 2583082 (VCV002583082.26), dbSNP rs782742129, ClinGen allele CA10421617.